The following is an entry in ClinVar:

ClinVar aggregate classification (germline): Pathogenic (1 of 4 stars; one submission).

Submission:

Labcorp Genetics (formerly Invitae), Labcorp
Classification: Pathogenic. Last evaluated: 2023-12-07. Review status: criteria provided, single submitter. Criteria: Invitae Variant Classification Sherloc (09022015). Collection method: clinical testing. Allele origin: germline.
Comment: This sequence change creates a premature translational stop signal (p.Cys1892Alafs*12) in the DOCK6 gene. It is expected to result in an absent or disrupted protein product. Loss-of-function variants in DOCK6 are known to be pathogenic (PMID: 21820096, 25824905). This variant is not present in population databases (gnomAD no frequency). This variant has not been reported in the literature in individuals affected with DOCK6-related conditions. For these reasons, this variant has been classified as Pathogenic.

Literature cited by the submitters: PubMed 21820096; PubMed 25824905.

NM_020812.4(DOCK6):c.5663_5673dup (p.Cys1892fs)

Gene: DOCK6 (dedicator of cytokinesis 6; minus strand). Cytogenetic location: 19p13.2.
Variant type: Duplication.
Coding change: c.5663_5673dup on transcript NM_020812.4 (MANE Select); coding-DNA positions 5663 to 5673, 11 bases duplicated (GCATCCGTGTG).
Protein change: p.Cys1892fs; shifts the reading frame from cysteine 1892.
Molecular consequence: frameshift variant.
Genome position (GRCh38, 1-based): chr19:11,201,904-11,201,914, CACACGGATGC duplicated on the plus strand (GCATCCGTGTG on the coding strand, the reverse complement: DOCK6 is on the minus strand). VCF-style (leftmost placement, unchanged base first): chr19-11201903-A-ACACACGGATGC. GRCh37 (hg19) VCF-style: chr19-11312579-A-ACACACGGATGC.
Other names: c.5768_5778dup, p.Cys1927fs (NM_001367830.1); short protein forms C1892fs, C1927fs.
Identifiers: ClinVar variation 2860384 (VCV002860384.3), dbSNP rs2512923474, ClinGen allele CA2739276503.